The following is an entry in ClinVar:

ClinVar aggregate classification (germline): Uncertain significance (1 of 4 stars; one submission).

gnomAD v4.1: 1 of 1,614,210 alleles (0.000062%); highest among the groups gnomAD compares: Admixed American, 0.0017%; no homozygotes.

Submission:

GeneDx
Classification: Uncertain significance. Last evaluated: 2025-07-15. Review status: criteria provided, single submitter. Criteria: GeneDx Variant Classification Process June 2021. Collection method: clinical testing. Allele origin: germline.
Comment: Not observed at significant frequency in large population cohorts (gnomAD); In silico analysis supports that this missense variant has a deleterious effect on protein structure/function; Has not been previously published as pathogenic or benign to our knowledge

NM_001102401.4(TTI2):c.857A>G (p.Tyr286Cys)

Gene: TTI2 (TELO2 interacting protein 2; minus strand). Cytogenetic location: 8p12.
Variant type: single nucleotide variant.
Coding change: c.857A>G on transcript NM_001102401.4 (MANE Select); coding-DNA position 857, A replaced by G.
Protein change: p.Tyr286Cys; replaces tyrosine 286 with cysteine.
Molecular consequence: missense variant. On other transcripts: intron variant (1).
Genome position (GRCh38, 1-based): chr8:33,507,299, T>C on the plus strand (A>G on the coding strand, the complement: TTI2 is on the minus strand). VCF-style: chr8-33507299-T-C. GRCh37 (hg19) VCF-style: chr8-33364817-T-C.
Other names: c.857A>G, p.Tyr286Cys (NM_001265581.2, NM_025115.5); c.834+2447A>G (NM_001330505.3); short protein forms Y286C.
Identifiers: ClinVar variation 3343466 (VCV003343466.2).